The following is an entry in ClinVar:

ClinVar aggregate classification (germline): Uncertain significance (1 of 4 stars; one submission).

Conditions:
Dyskeratosis congenita. Identifiers: Orphanet 1775, MedGen C0265965, MONDO:0015780.

Submission:

Ambry Genetics
Classification: Uncertain significance for Dyskeratosis congenita. Last evaluated: 2024-10-13. Review status: criteria provided, single submitter. Criteria: Ambry Variant Classification Scheme 2023. Collection method: clinical testing. Allele origin: germline.
Comment: The p.E705D variant (also known as c.2115G>T), located in coding exon 5 of the TERT gene, results from a G to T substitution at nucleotide position 2115. The glutamic acid at codon 705 is replaced by aspartic acid, an amino acid with highly similar properties. This amino acid position is conserved. In addition, this alteration is predicted to be tolerated by in silico analysis. Based on the available evidence, the clinical significance of this variant remains unclear.

NM_198253.3(TERT):c.2115G>T (p.Glu705Asp)

Gene: TERT (telomerase reverse transcriptase; minus strand). Cytogenetic location: 5p15.33.
Variant type: single nucleotide variant.
Coding change: c.2115G>T on transcript NM_198253.3 (MANE Select); coding-DNA position 2115, G replaced by T.
Protein change: p.Glu705Asp; replaces glutamic acid 705 with aspartic acid.
Molecular consequence: missense variant. On other transcripts: non-coding transcript variant (2).
Genome position (GRCh38, 1-based): chr5:1,279,306, C>A on the plus strand (G>T on the coding strand, the complement: TERT is on the minus strand). VCF-style: chr5-1279306-C-A. GRCh37 (hg19) VCF-style: chr5-1279421-C-A.
Other names: c.2115G>T, p.Glu705Asp (NM_001193376.3); short protein forms E705D.
Identifiers: ClinVar variation 3455201 (VCV003455201.1).